The following is an entry in ClinVar:

NM_031935.3(HMCN1):c.10633C>T (p.Pro3545Ser)

Gene: HMCN1 (hemicentin 1; plus strand). Cytogenetic location: 1q31.1.
Variant type: single nucleotide variant.
Coding change: c.10633C>T on transcript NM_031935.3 (MANE Select); coding-DNA position 10633, C replaced by T.
Protein change: p.Pro3545Ser; replaces proline 3545 with serine.
Molecular consequence: missense variant.
Genome position (GRCh38, 1-based): chr1:186,103,531, C>T. VCF-style: chr1-186103531-C-T. GRCh37 (hg19) VCF-style: chr1-186072663-C-T.
Other names: c.10633C>T (NM_031935.2); short protein forms P3545S.
Identifiers: ClinVar variation 1347989 (VCV001347989.7), dbSNP rs142038459, ClinGen allele CA1293784.

ClinVar aggregate classification (germline): Uncertain significance. Review status: criteria provided, multiple submitters, no conflicts (2 of 4 stars). 2 submissions from 2 submitters: Uncertain significance (2). Last evaluated 2025-01-01.

Allele frequency attached by ClinVar (database versions not stated): ExAC 0.00005; gnomAD exomes 0.00005; ESP Exome Variant Server 0.00015; TOPMed 0.00018; gnomAD 0.00019 and 0.00022.
gnomAD v4.1: 54 of 1,613,536 alleles (0.0033%); highest among the groups gnomAD compares: African/African-American, 0.06%; no homozygotes.

Submissions (2):

Labcorp Genetics (formerly Invitae), Labcorp
Classification: Uncertain significance. Last evaluated: 2025-01-01. Review status: criteria provided, single submitter. Criteria: Invitae Variant Classification Sherloc (09022015). Collection method: clinical testing. Allele origin: germline.
Comment: This sequence change replaces proline, which is neutral and non-polar, with serine, which is neutral and polar, at codon 3545 of the HMCN1 protein (p.Pro3545Ser). This variant is present in population databases (rs142038459, gnomAD 0.05%). This variant has not been reported in the literature in individuals affected with HMCN1-related conditions. ClinVar contains an entry for this variant (Variation ID: 1347989). An algorithm developed to predict the effect of missense changes on protein structure and function (PolyPhen-2) suggests that this variant is likely to be disruptive. In summary, the available evidence is currently insufficient to determine the role of this variant in disease. Therefore, it has been classified as a Variant of Uncertain Significance.

Ambry Genetics
Classification: Uncertain significance. Last evaluated: 2021-07-06. Review status: criteria provided, single submitter. Criteria: Ambry Variant Classification Scheme 2023. Collection method: clinical testing. Allele origin: germline.